The following is an entry in ClinVar:

ClinVar aggregate classification (germline): Uncertain significance (0 of 4 stars; one submission).

Conditions:
ARHGAP44-related disorder. Also called: ARHGAP44-related condition.

Submission:

PreventionGenetics, part of Exact Sciences
Classification: Uncertain significance for ARHGAP44-related condition. Last evaluated: 2024-05-28. Review status: no assertion criteria provided. Collection method: clinical testing. Allele origin: germline.
Comment: The ARHGAP44 c.1442A>G variant is predicted to result in the amino acid substitution p.Asp481Gly. To our knowledge, this variant has not been reported in the literature or in a large population database, indicating this variant is rare. At this time, the clinical significance of this variant is uncertain due to the absence of conclusive functional and genetic evidence.

NM_014859.6(ARHGAP44):c.1442A>G (p.Asp481Gly)

Gene: ARHGAP44 (Rho GTPase activating protein 44; plus strand). Cytogenetic location: 17p12.
Variant type: single nucleotide variant.
Coding change: c.1442A>G on transcript NM_014859.6 (MANE Select); coding-DNA position 1442, A replaced by G.
Protein change: p.Asp481Gly; replaces aspartic acid 481 with glycine.
Molecular consequence: missense variant. On other transcripts: non-coding transcript variant (1).
Genome position (GRCh38, 1-based): chr17:12,958,816, A>G. VCF-style: chr17-12958816-A-G. GRCh37 (hg19) VCF-style: chr17-12862133-A-G.
Other names: c.1442A>G, p.Asp481Gly (NM_001321164.2, NM_001321166.2, NM_001321167.2); c.842A>G, p.Asp281Gly (NM_001321168.2); short protein forms D281G, D481G.
Identifiers: ClinVar variation 3345578 (VCV003345578.1).
Genomic context (GRCh38, chr17:12,958,816, plus strand): 5'-TACACGTGAACCATAATGCCAACTACAGCTCAATGCCCTCCCCAGACATGGACCCTGCTG[A>G]CCGGCGCCAGCCCGAGCAGGCCCGCCGGCCCCTCAGCGTCGCCACGGATAATATGATGCT-3'
Protein context (NP_055674.4, residues 471-491): SMPSPDMDPA[Asp481Gly]RRQPEQARRP